The following is an entry in ClinVar:

NM_006947.4(SRP72):c.1691A>G (p.Lys564Arg)

Gene: SRP72 (signal recognition particle 72; plus strand). Cytogenetic location: 4q12.
Variant type: single nucleotide variant.
Coding change: c.1691A>G on transcript NM_006947.4 (MANE Select); coding-DNA position 1691, A replaced by G.
Protein change: p.Lys564Arg; replaces lysine 564 with arginine.
Molecular consequence: missense variant. On other transcripts: non-coding transcript variant (1).
Genome position (GRCh38, 1-based): chr4:56,500,548, A>G. VCF-style: chr4-56500548-A-G. GRCh37 (hg19) VCF-style: chr4-57366714-A-G.
Other names: c.1508A>G, p.Lys503Arg (NM_001267722.2); short protein forms K503R, K564R.
Identifiers: ClinVar variation 4174984 (VCV004174984.1).
Genomic context (GRCh38, chr4:56,500,548, plus strand): 5'-TTGAAAATATTATGACACATCTCTCATTTCTTTATAATCGTTATGCAGGAAAATTGCCTA[A>G]GAATTATGACCCAAAAGTTACCCCAGATCCAGAAAGATGGCTGCCAATGCGAGAACGTTC-3'
Protein context (NP_008878.3, residues 554-574): KKKKKKGKLP[Lys564Arg]NYDPKVTPDP

ClinVar aggregate classification (germline): Uncertain significance (1 of 4 stars; one submission).

Submission:

Ambry Genetics
Classification: Uncertain significance. Last evaluated: 2025-09-04. Review status: criteria provided, single submitter. Criteria: Ambry Variant Classification Scheme 2023. Collection method: clinical testing. Allele origin: germline.
Comment: The p.K564R variant (also known as c.1691A>G), located in coding exon 18 of the SRP72 gene, results from an A to G substitution at nucleotide position 1691. The lysine at codon 564 is replaced by arginine, an amino acid with highly similar properties. This amino acid position is conserved. In addition, the in silico prediction for this alteration is inconclusive. Based on the available evidence, the clinical significance of this variant remains unclear.